The following is an entry in ClinVar:

NM_001388419.1(KALRN):c.1215C>T (p.Phe405=)

Gene: KALRN (kalirin RhoGEF kinase; plus strand). Cytogenetic location: 3q21.2.
Variant type: single nucleotide variant.
Coding change: c.1215C>T on transcript NM_001388419.1 (MANE Select); coding-DNA position 1215, C replaced by T.
Protein change: p.Phe405=; no amino-acid change (phenylalanine 405 retained).
Molecular consequence: synonymous variant.
Genome position (GRCh38, 1-based): chr3:124,326,102, C>T. VCF-style: chr3-124326102-C-T. GRCh37 (hg19) VCF-style: chr3-124044949-C-T.
Other names: c.1209C>T, p.Phe403= (NM_001024660.5, NM_001322988.2, NM_001322989.2 and 4 more transcripts); c.1215C>T, p.Phe405= (NM_001388417.1, NM_001388418.1); c.1209C>T (NM_001024660.4).
Identifiers: ClinVar variation 1277522 (VCV001277522.4), dbSNP rs2289778, ClinGen allele CA2579126.

ClinVar aggregate classification (germline): Benign. Review status: criteria provided, multiple submitters, no conflicts (2 of 4 stars). 3 submissions from 3 submitters: Benign (2). 1 of the submissions does not count toward it. Last evaluated 2021-04-27.

Conditions:
KALRN-related disorder. Also called: KALRN-related condition.

Allele frequency attached by ClinVar (database versions not stated): 1000 Genomes Project 30x 0.74844; 1000 Genomes Project 0.75359; TOPMed 0.78263; ESP Exome Variant Server 0.79363; gnomAD 0.79434 and 0.79939; ExAC 0.85673; gnomAD exomes 0.85883 and 0.88864.
gnomAD v4.1: 1,418,994 of 1,613,528 alleles (88%); highest among the groups gnomAD compares: Non-Finnish European, 91%; 628,584 homozygotes.

Submissions (3):

GeneDx
Classification: Benign. Last evaluated: 2021-04-27. Review status: criteria provided, single submitter. Criteria: GeneDx Variant Classification Process June 2021. Collection method: clinical testing. Allele origin: germline. Affected: yes.

Breakthrough Genomics
Classification: Benign. Review status: criteria provided, single submitter. Criteria: ACMG Guidelines, 2015. Collection method: not provided. Allele origin: germline. Inheritance: Unknown mechanism. Affected: yes.

PreventionGenetics, part of Exact Sciences
Classification: Benign for KALRN-related condition. Last evaluated: 2019-10-18. Review status: no assertion criteria provided. Collection method: clinical testing. Allele origin: germline. Not counted in ClinVar's aggregate classification.
Comment: This variant is classified as benign based on ACMG/AMP sequence variant interpretation guidelines (Richards et al. 2015 PMID: 25741868, with internal and published modifications).